The following is an entry in ClinVar:

ClinVar aggregate classification (germline): Uncertain significance (1 of 4 stars; one submission).

Submission:

Ambry Genetics
Classification: Uncertain significance. Last evaluated: 2026-04-20. Review status: criteria provided, single submitter. Criteria: Ambry Variant Classification Scheme 2023. Collection method: clinical testing. Allele origin: germline.
Comment: The c.535G>A (p.E179K) alteration is located in exon 2 (coding exon 2) of the TCHH gene. This alteration results from a G to A substitution at nucleotide position 535, causing the glutamic acid (E) at amino acid position 179 to be replaced by a lysine (K). Based on data from gnomAD, the A allele has an overall frequency of <0.001% (1/249544) total alleles studied. The highest observed frequency was 0.007% (1/15488) of African alleles. Based on insufficient or conflicting evidence, the clinical significance of this alteration remains unclear.

NM_007113.4(TCHH):c.535G>A (p.Glu179Lys)

Gene: TCHH (trichohyalin; minus strand). Cytogenetic location: 1q21.3.
Variant type: single nucleotide variant.
Coding change: c.535G>A on transcript NM_007113.4 (MANE Select); coding-DNA position 535, G replaced by A.
Protein change: p.Glu179Lys; replaces glutamic acid 179 with lysine.
Molecular consequence: missense variant.
Genome position (GRCh38, 1-based): chr1:152,112,682, C>T on the plus strand (G>A on the coding strand, the complement: TCHH is on the minus strand). VCF-style: chr1-152112682-C-T. GRCh37 (hg19) VCF-style: chr1-152085158-C-T.
Other names: short protein forms E179K.
Identifiers: ClinVar variation 4865393 (VCV004865393.1).